The following is an entry in ClinVar:

NM_006648.4(WNK2):c.2119G>A (p.Ala707Thr)

Gene: WNK2 (WNK lysine deficient protein kinase 2; plus strand). Cytogenetic location: 9q22.31.
Variant type: single nucleotide variant.
Coding change: c.2119G>A on transcript NM_006648.4 (MANE Select); coding-DNA position 2119, G replaced by A.
Protein change: p.Ala707Thr; replaces alanine 707 with threonine.
Molecular consequence: missense variant.
Genome position (GRCh38, 1-based): chr9:93,256,383, G>A. VCF-style: chr9-93256383-G-A. GRCh37 (hg19) VCF-style: chr9-96018665-G-A.
Other names: c.2119G>A, p.Ala707Thr (NM_001282394.3); short protein forms A707T.
Identifiers: ClinVar variation 3333154 (VCV003333154.2).

ClinVar aggregate classification (germline): Uncertain significance (1 of 4 stars; one submission).

gnomAD v4.1: 46 of 1,564,120 alleles (0.0029%); highest among the groups gnomAD compares: Admixed American, 0.016%; no homozygotes.

Submission:

Ambry Genetics
Classification: Uncertain significance. Last evaluated: 2024-11-21. Review status: criteria provided, single submitter. Criteria: Ambry Variant Classification Scheme 2023. Collection method: clinical testing. Allele origin: germline.
Comment: The p.A707T variant (also known as c.2119G>A), located in coding exon 9 of the WNK2 gene, results from a G to A substitution at nucleotide position 2119. The alanine at codon 707 is replaced by threonine, an amino acid with similar properties. This amino acid position is conserved. In addition, this alteration is predicted to be tolerated by in silico analysis. Based on the available evidence, the clinical significance of this variant remains unclear.